The following is an entry in ClinVar:

ClinVar aggregate classification (germline): Uncertain significance (1 of 4 stars; one submission).

Conditions:
Inborn genetic diseases. Identifiers: MedGen C0950123, MeSH D030342.

gnomAD v4.1: 1 of 1,614,156 alleles (0.000062%); highest among the groups gnomAD compares: Non-Finnish European, 0.000085%; no homozygotes.

Submission:

Ambry Genetics
Classification: Uncertain significance for Inborn genetic diseases. Last evaluated: 2026-04-28. Review status: criteria provided, single submitter. Criteria: Ambry Variant Classification Scheme 2023. Collection method: clinical testing. Allele origin: germline.
Comment: The p.T72I variant (also known as c.215C>T), located in coding exon 3 of the FANCG gene, results from a C to T substitution at nucleotide position 215. The threonine at codon 72 is replaced by isoleucine, an amino acid with similar properties. This amino acid position is conserved. In addition, this alteration is predicted to be deleterious by in silico analysis. Based on the available evidence, the clinical significance of this variant remains unclear.

NM_004629.2(FANCG):c.215C>T (p.Thr72Ile)

Gene: FANCG (FA complementation group G; minus strand). Cytogenetic location: 9p13.3.
Variant type: single nucleotide variant.
Coding change: c.215C>T on transcript NM_004629.2 (MANE Select); coding-DNA position 215, C replaced by T.
Protein change: p.Thr72Ile; replaces threonine 72 with isoleucine.
Molecular consequence: missense variant.
Genome position (GRCh38, 1-based): chr9:35,078,697, G>A on the plus strand (C>T on the coding strand, the complement: FANCG is on the minus strand). VCF-style: chr9-35078697-G-A. GRCh37 (hg19) VCF-style: chr9-35078694-G-A.
Other names: short protein forms T72I.
Identifiers: ClinVar variation 4870995 (VCV004870995.1).